The following is an entry in ClinVar:

ClinVar aggregate classification (germline): Likely benign (1 of 4 stars; one submission).

Allele frequency attached by ClinVar (database versions not stated): gnomAD 0.00001; gnomAD exomes 0.00001; TOPMed 0.00001.
gnomAD v4.1: 18 of 1,612,680 alleles (0.0011%); highest among the groups gnomAD compares: Non-Finnish European, 0.0015%; no homozygotes.

Submission:

GeneDx
Classification: Likely benign. Last evaluated: 2016-08-10. Review status: criteria provided, single submitter. Criteria: GeneDx Variant Classification (06012015). Collection method: clinical testing. Allele origin: germline. Affected: yes.
Comment: This variant is considered likely benign or benign based on one or more of the following criteria: it is a conservative change, it occurs at a poorly conserved position in the protein, it is predicted to be benign by multiple in silico algorithms, and/or has population frequency not consistent with disease.

NM_024592.5(SRD5A3):c.*6C>T

Genes: SRD5A3 (steroid 5 alpha-reductase 3; plus strand), SRD5A3-AS1 (SRD5A3 antisense RNA 1; minus strand). Cytogenetic location: 4q12.
Variant type: single nucleotide variant.
Coding change: c.*6C>T on transcript NM_024592.5 (MANE Select); 6 bases downstream of the stop codon, C replaced by T.
Molecular consequence: 3 prime UTR variant.
Genome position (GRCh38, 1-based): chr4:55,370,097, C>T. VCF-style: chr4-55370097-C-T. GRCh37 (hg19) VCF-style: chr4-56236264-C-T.
Identifiers: ClinVar variation 387772 (VCV000387772.1), dbSNP rs1057522899, ClinGen allele CA16604730.
Genomic context (GRCh38, chr4:55,370,097, plus strand): 5'-CAAATTTGTCTCTTACCCGAAGCATAGGAAAGCTTTCCTACCATTTTTGTTTTAAGTTAA[C>T]CTCAGTCATGAAGAATGCAAACCAGGTGATGGTTTCAATGCCTAAGGACAGTGAAGTCTG-3'